The following is an entry in ClinVar:

ClinVar aggregate classification (germline): Pathogenic/Likely pathogenic. Review status: criteria provided, multiple submitters, no conflicts (2 of 4 stars). 2 submissions from 2 submitters: Pathogenic (1); Likely pathogenic (1). Last evaluated 2026-01-13.

Conditions:
Hepatoencephalopathy due to combined oxidative phosphorylation defect type 1. Also called: HEPATOENCEPHALOPATHY, EARLY FATAL PROGRESSIVE. Identifiers: Orphanet 137681, MedGen C1836797, MONDO:0012191, OMIM 609060.

Submissions (2):

Labcorp Genetics (formerly Invitae), Labcorp
Classification: Pathogenic. Last evaluated: 2026-01-13. Review status: criteria provided, single submitter. Criteria: Invitae Variant Classification Sherloc (09022015). Collection method: clinical testing. Allele origin: germline.
Comment: This sequence change creates a premature translational stop signal (p.Leu310Argfs*12) in the GFM1 gene. It is expected to result in an absent or disrupted protein product. Loss-of-function variants in GFM1 are known to be pathogenic (PMID: 16632485, 17160893). This variant is not present in population databases (gnomAD no frequency). This variant has not been reported in the literature in individuals affected with GFM1-related conditions. For these reasons, this variant has been classified as Pathogenic.

Natera, Inc.
Classification: Likely pathogenic for Combined oxidative phosphorylation deficiency 1. Last evaluated: 2024-08-26. Review status: criteria provided, single submitter. Criteria: Natera Variant Classification Schema (03/2026). Collection method: clinical testing. Allele origin: germline.
Comment: The c.928_929del variant in GFM1 is a frameshift variant predicted to shift the reading frame beginning at codon 310 and leads to a stop codon 12 codons downstream. This variant is expected to result in nonsense mediated decay, truncation, or a dysfunctional protein product. This variant is rare in the general population with a frequency below the threshold expected for the associated phenotype(s). Given the available evidence, this variant is classified as Likely Pathogenic.

Literature cited by the submitters: PubMed 16632485 (cited by Labcorp Genetics (formerly Invitae), Labcorp); PubMed 17160893 (cited by Labcorp Genetics (formerly Invitae), Labcorp).

NM_024996.7(GFM1):c.928_929del (p.Leu310fs)

Gene: GFM1 (G elongation factor mitochondrial 1; plus strand). Cytogenetic location: 3q25.32.
Variant type: Deletion.
Coding change: c.928_929del on transcript NM_024996.7 (MANE Select); coding-DNA positions 928 to 929, 2 bases deleted (TT; older notation c.928_929delTT).
Protein change: p.Leu310fs; shifts the reading frame from leucine 310.
Molecular consequence: frameshift variant. On other transcripts: non-coding transcript variant (4).
Genome position (GRCh38, 1-based): chr3:158,653,397-158,653,398, TT deleted; deleting any 2 consecutive bases within chr3:158,653,395-158,653,398 gives the same sequence; the c. name uses the placement nearest the transcript's 3' end. VCF-style (leftmost placement, unchanged base first): chr3-158653394-CTT-C. GRCh37 (hg19) VCF-style: chr3-158371183-CTT-C.
Other names: c.985_986del, p.Leu329fs (NM_001374355.1, NM_001308164.2); c.811_812del, p.Leu271fs (NM_001374356.1); c.703_704del, p.Leu235fs (NM_001374357.1); c.469_470del, p.Leu157fs (NM_001374358.1); c.361_362del, p.Leu121fs (NM_001374359.1, NM_001374360.1); c.244_245del, p.Leu82fs (NM_001374361.1); c.928_929del (NM_024996.5); c.928_929del, p.Leu310fs (NM_001308166.2); short protein forms L121fs, L157fs, L310fs, L271fs, L82fs, L235fs, L329fs.
Identifiers: ClinVar variation 4735363 (VCV004735363.3).